The following is an entry in ClinVar:

ClinVar aggregate classification (germline): Conflicting classifications of pathogenicity. Review status: criteria provided, conflicting classifications (1 of 4 stars). 4 submissions from 4 submitters: Uncertain significance (1); Likely benign (2). 1 of the submissions does not count toward it. Last evaluated 2025-04-10.

Conditions:
PCNT-related disorder. Also called: PCNT-related condition.
Microcephalic osteodysplastic primordial dwarfism type II (MOPD2). Also called: Microcephalic osteodysplastic primordial dwarfism with tooth abnormalities; MOPD II; OSTEODYSPLASTIC PRIMORDIAL DWARFISM, TYPE II. Identifiers: Orphanet 2637, MedGen C0432246, MONDO:0008872, OMIM 210720.

Allele frequency attached by ClinVar (database versions not stated): ExAC 0.00001; gnomAD 0.00001; gnomAD exomes 0.00001 and 0.00002; TOPMed 0.00001.
gnomAD v4.1: 29 of 1,614,080 alleles (0.0018%); highest among the groups gnomAD compares: Non-Finnish European, 0.0023%; no homozygotes.

Submissions (4):

Labcorp Genetics (formerly Invitae), Labcorp
Classification: Likely benign. Last evaluated: 2025-04-10. Review status: criteria provided, single submitter. Criteria: Invitae Variant Classification Sherloc (09022015). Collection method: clinical testing. Allele origin: germline.

Illumina Laboratory Services, Illumina
Classification: Uncertain significance for Microcephalic osteodysplastic primordial dwarfism type II. Last evaluated: 2018-01-13. Review status: criteria provided, single submitter. Criteria: ICSL Variant Classification Criteria 13 December 2019. Collection method: clinical testing. Allele origin: germline.

Genetic Services Laboratory, University of Chicago
Classification: Likely benign. Last evaluated: 2016-06-01. Review status: criteria provided, single submitter. Criteria: ACMG Guidelines, 2015. Collection method: clinical testing. Allele origin: germline. Affected: no.

PreventionGenetics, part of Exact Sciences
Classification: Likely benign for PCNT-related condition. Last evaluated: 2024-07-19. Review status: no assertion criteria provided. Collection method: clinical testing. Allele origin: germline. Not counted in ClinVar's aggregate classification.
Comment: This variant is classified as likely benign based on ACMG/AMP sequence variant interpretation guidelines (Richards et al. 2015 PMID: 25741868, with internal and published modifications).

NM_006031.6(PCNT):c.7836C>T (p.Asp2612=)

Gene: PCNT (pericentrin; plus strand). Cytogenetic location: 21q22.3.
Variant type: single nucleotide variant.
Coding change: c.7836C>T on transcript NM_006031.6 (MANE Select); coding-DNA position 7836, C replaced by T.
Protein change: p.Asp2612=; no amino-acid change (aspartic acid 2612 retained).
Molecular consequence: synonymous variant.
Genome position (GRCh38, 1-based): chr21:46,430,155, C>T. VCF-style: chr21-46430155-C-T. GRCh37 (hg19) VCF-style: chr21-47850069-C-T.
Other names: c.7482C>T, p.Asp2494= (NM_001315529.2).
Identifiers: ClinVar variation 340530 (VCV000340530.13), dbSNP rs757858684, ClinGen allele CA10080801.